The following is an entry in ClinVar:

NM_032656.4(DHX37):c.478GAG[11] (p.Glu168_Ser169insGluGlu)

Gene: DHX37 (DEAH-box helicase 37; minus strand). Cytogenetic location: 12q24.31.
Variant type: Microsatellite.
Coding change: c.478GAG[11] on transcript NM_032656.4 (MANE Select); 11 copies in a row of the 3-base unit GAG starting at c.478; the reference has nine copies in a row; two copies, 6 bases duplicated; also written c.499_504dup.
Protein change: p.Glu168_Ser169insGluGlu.
Molecular consequence: inframe insertion.
Genome position (GRCh38, 1-based): chr12:124,980,724-124,980,729, CTCCTC duplicated on the plus strand (GAGGAG on the coding strand, the reverse complement: DHX37 is on the minus strand); duplicating any 6 consecutive bases within chr12:124,980,724-124,980,750 gives the same sequence; the position shown is the placement nearest the transcript's 3' end. VCF-style (leftmost placement, unchanged base first): chr12-124980723-A-ACTCCTC. GRCh37 (hg19) VCF-style: chr12-125465269-A-ACTCCTC.
Other names: c.499_504dup6 (NM_032656.3); c.499_504dup (NM_032656.3).
Identifiers: ClinVar variation 2051283 (VCV002051283.7), dbSNP rs376470858, ClinGen allele CA6872433.

ClinVar aggregate classification (germline): Uncertain significance. Review status: criteria provided, multiple submitters, no conflicts (2 of 4 stars). 3 submissions from 3 submitters: Uncertain significance (2). 1 of the submissions does not count toward it. Last evaluated 2025-12-20.

Conditions:
DHX37-related disorder. Also called: DHX37-Related Disorders; DHX37-related condition.

Submissions (3):

Labcorp Genetics (formerly Invitae), Labcorp
Classification: Uncertain significance. Last evaluated: 2025-12-20. Review status: criteria provided, single submitter. Criteria: Invitae Variant Classification Sherloc (09022015). Collection method: clinical testing. Allele origin: germline.
Comment: This variant, c.499_504dup, results in the insertion of 2 amino acid(s) of the DHX37 protein (p.Glu167_Glu168dup), but otherwise preserves the integrity of the reading frame. The frequency data for this variant in the population databases is considered unreliable, as metrics indicate poor data quality at this position in the gnomAD database. This variant has not been reported in the literature in individuals affected with DHX37-related conditions. ClinVar contains an entry for this variant (Variation ID: 2051283). Experimental studies and prediction algorithms are not available or were not evaluated, and the functional significance of this variant is currently unknown. In summary, the available evidence is currently insufficient to determine the role of this variant in disease. Therefore, it has been classified as a Variant of Uncertain Significance.

GeneDx
Classification: Uncertain significance. Last evaluated: 2023-10-13. Review status: criteria provided, single submitter. Criteria: GeneDx Variant Classification Process June 2021. Collection method: clinical testing. Allele origin: germline. Affected: yes.
Comment: In-frame duplication of two amino acids; Has not been previously published as pathogenic or benign to our knowledge

PreventionGenetics, part of Exact Sciences
Classification: Benign for DHX37-related condition. Last evaluated: 2020-01-20. Review status: no assertion criteria provided. Collection method: clinical testing. Allele origin: germline. Not counted in ClinVar's aggregate classification.
Comment: This variant is classified as benign based on ACMG/AMP sequence variant interpretation guidelines (Richards et al. 2015 PMID: 25741868, with internal and published modifications).